The following is an entry in ClinVar:

NM_001039141.3(TRIOBP):c.7032G>A (p.Glu2344=)

Gene: TRIOBP (TRIO and F-actin binding protein; plus strand). Cytogenetic location: 22q13.1.
Variant type: single nucleotide variant.
Coding change: c.7032G>A on transcript NM_001039141.3 (MANE Select); coding-DNA position 7032, G replaced by A.
Protein change: p.Glu2344=; no amino-acid change (glutamic acid 2344 retained).
Molecular consequence: synonymous variant.
Genome position (GRCh38, 1-based): chr22:37,772,696, G>A. VCF-style: chr22-37772696-G-A. GRCh37 (hg19) VCF-style: chr22-38168703-G-A.
Other names: c.1893G>A, p.Glu631= (NM_007032.5).
Identifiers: ClinVar variation 227129 (VCV000227129.17), dbSNP rs61737839, ClinGen allele CA10225325.

ClinVar aggregate classification (germline): Benign/Likely benign. Review status: criteria provided, multiple submitters, no conflicts (2 of 4 stars). 5 submissions from 5 submitters: Benign (4); Likely benign (1). Last evaluated 2026-01-25.

Allele frequency attached by ClinVar (database versions not stated): ExAC 0.00168; 1000 Genomes Project 30x 0.00406; 1000 Genomes Project 0.00459; ESP Exome Variant Server 0.00596; gnomAD 0.00637; TOPMed 0.00640.
gnomAD v4.1: 1,765 of 1,614,100 alleles (0.11%); highest among the groups gnomAD compares: African/African-American, 1.9%; 16 homozygotes.

Submissions (5):

Labcorp Genetics (formerly Invitae), Labcorp
Classification: Benign. Last evaluated: 2026-01-25. Review status: criteria provided, single submitter. Criteria: Invitae Variant Classification Sherloc (09022015). Collection method: clinical testing. Allele origin: germline.

Blueprint Genetics
Classification: Likely benign. Last evaluated: 2024-10-18. Review status: criteria provided, single submitter. Criteria: ACMG Guidelines, 2015. Collection method: clinical testing. Allele origin: germline.

GeneDx
Classification: Benign. Last evaluated: 2019-02-26. Review status: criteria provided, single submitter. Criteria: GeneDx Variant Classification Process June 2021. Collection method: clinical testing. Allele origin: germline. Affected: yes.

Laboratory for Molecular Medicine, Mass General Brigham Personalized Medicine
Classification: Benign. Last evaluated: 2012-04-30. Review status: criteria provided, single submitter. Criteria: LMM Criteria. Collection method: clinical testing. Allele origin: germline. Observed: 5 variant alleles.
Comment: Glu2344Glu in Exon 23 of TRIOBP: This variant is not expected to have clinical s ignificance because it does not alter an amino acid residue, is not located with in the splice consensus sequence, and has been identified in 1.8% (67/3684) of A frican American chromosomes from a broad population by the NHLBI Exome Sequencin g Project (dbSNP rs61737839).

PreventionGenetics, part of Exact Sciences
Classification: Benign. Review status: criteria provided, single submitter. Criteria: ACMG Guidelines, 2015. Collection method: clinical testing. Allele origin: germline.